The following is an entry in ClinVar:

NM_001008216.2(GALE):c.796-1G>T

Gene: GALE (UDP-galactose-4-epimerase; minus strand). Cytogenetic location: 1p36.11.
Variant type: single nucleotide variant.
Coding change: c.796-1G>T on transcript NM_001008216.2 (MANE Select); the canonical splice acceptor site of the intron before coding-DNA position 796, G replaced by T.
Molecular consequence: splice acceptor variant.
Genome position (GRCh38, 1-based): chr1:23,796,587, C>A on the plus strand (G>T on the coding strand, the complement: GALE is on the minus strand). VCF-style: chr1-23796587-C-A. GRCh37 (hg19) VCF-style: chr1-24123077-C-A.
Other names: c.796-1G>T (NM_000403.4, NM_001127621.2).
Identifiers: ClinVar variation 281922 (VCV000281922.15), dbSNP rs779828095, ClinGen allele CA685524.

ClinVar aggregate classification (germline): Pathogenic/Likely pathogenic. Review status: criteria provided, multiple submitters, no conflicts (2 of 4 stars). 4 submissions from 4 submitters: Pathogenic (1); Likely pathogenic (3). Last evaluated 2024-05-02.

Conditions:
Thrombocytopenia 13, syndromic. Also called: THROMBOCYTOPENIA, AUTOSOMAL RECESSIVE, 13. Identifiers: MedGen C5935599, MONDO:0958333, OMIM 620776.
UDPglucose-4-epimerase deficiency. Also called: GALACTOSEMIA III; GALE DEFICIENCY; Epimerase Deficiency Galactosemia; UDP-GALACTOSE-4-EPIMERASE DEFICIENCY; Galactose epimerase deficiency; UDPglucose 4-Epimerase Deficiency Disease. Identifiers: Orphanet 352, Orphanet 79238, MedGen C0751161, MONDO:0009257, OMIM 230350.

Allele frequency attached by ClinVar (database versions not stated): TOPMed below 0.00001; ExAC 0.00001; gnomAD 0.00001; gnomAD exomes 0.00001.
gnomAD v4.1: 40 of 1,614,016 alleles (0.0025%); highest among the groups gnomAD compares: Non-Finnish European, 0.0031%; no homozygotes.

Submissions (4):

Fulgent Genetics
Classification: Likely pathogenic for UDPglucose-4-epimerase deficiency; Thrombocytopenia 13, syndromic. Last evaluated: 2024-05-02. Review status: criteria provided, single submitter. Criteria: ACMG Guidelines, 2015. Collection method: clinical testing. Allele origin: germline.

Labcorp Genetics (formerly Invitae), Labcorp
Classification: Likely pathogenic for UDPglucose-4-epimerase deficiency. Last evaluated: 2023-09-08. Review status: criteria provided, single submitter. Criteria: Invitae Variant Classification Sherloc (09022015). Collection method: clinical testing. Allele origin: germline.
Comment: This sequence change affects an acceptor splice site in intron 9 of the GALE gene. It is expected to disrupt RNA splicing. Variants that disrupt the donor or acceptor splice site typically lead to a loss of protein function (PMID: 16199547), and loss-of-function variants in GALE are known to be pathogenic (PMID: 16301867). This variant is present in population databases (rs779828095, gnomAD 0.002%). This variant has not been reported in the literature in individuals affected with GALE-related conditions. ClinVar contains an entry for this variant (Variation ID: 281922). Algorithms developed to predict the effect of sequence changes on RNA splicing suggest that this variant may disrupt the consensus splice site. In summary, the currently available evidence indicates that the variant is pathogenic, but additional data are needed to prove that conclusively. Therefore, this variant has been classified as Likely Pathogenic.

Revvity Omics, Revvity
Classification: Likely pathogenic for UDPglucose-4-epimerase deficiency. Last evaluated: 2021-02-24. Review status: criteria provided, single submitter. Criteria: ACMG Guidelines, 2015. Collection method: clinical testing. Allele origin: germline.

Eurofins Ntd Llc (ga)
Classification: Pathogenic. Last evaluated: 2015-07-16. Review status: criteria provided, single submitter. Criteria: EGL Classification Definitions 2015. Collection method: clinical testing. Allele origin: germline. Observed: 1 variant allele, 1 heterozygote.

Literature cited by the submitters: PubMed 16199547 (cited by Labcorp Genetics (formerly Invitae), Labcorp); PubMed 16301867 (cited by Labcorp Genetics (formerly Invitae), Labcorp).